The following is an entry in ClinVar:

ClinVar aggregate classification (germline): Pathogenic (1 of 4 stars; one submission).

Conditions:
Familial cancer of breast. Also called: hereditary breast carcinoma; Hereditary breast cancer; BREAST CANCER, FAMILIAL. Identifiers: Orphanet 227535, MedGen C0346153, MONDO:0016419, OMIM 114480. Disease mechanism: loss of function.

Submission:

Myriad Genetics, Inc.
Classification: Pathogenic for Familial cancer of breast. Last evaluated: 2024-07-01. Review status: criteria provided, single submitter. Criteria: Myriad Autosomal Dominant, Autosomal Recessive and X-Linked Classification Criteria (2023). Collection method: clinical testing. Allele origin: unknown.
Comment: This variant is considered pathogenic. This variant creates a frameshift predicted to result in premature protein truncation.

NM_024675.4(PALB2):c.1534del (p.Tyr512fs)

Gene: PALB2 (partner and localizer of BRCA2; minus strand). Cytogenetic location: 16p12.2.
Variant type: Deletion.
Coding change: c.1534del on transcript NM_024675.4 (MANE Select); coding-DNA position 1534, one base deleted (T; older notation c.1534delT).
Protein change: p.Tyr512fs; shifts the reading frame from tyrosine 512.
Molecular consequence: frameshift variant. On other transcripts: intron variant (3).
Genome position (GRCh38, 1-based): chr16:23,635,012, A deleted on the plus strand (T on the coding strand, the reverse complement: PALB2 is on the minus strand). VCF-style (leftmost placement, unchanged base first): chr16-23635011-TA-T. GRCh37 (hg19) VCF-style: chr16-23646332-TA-T.
Other names: c.1474del, p.Tyr492fs (NM_001407296.1); c.1534del, p.Tyr512fs (NM_001407297.1, NM_001407298.1, NM_001407299.1 and 3 more transcripts); c.649del, p.Tyr217fs (NM_001407304.1, NM_001407305.1, NM_001407306.1 and 5 more transcripts); c.49-5737del (NM_001407314.1); c.-104-4543del (NM_001407313.1, NM_001407312.1); short protein forms Y217fs, Y492fs, Y512fs.
Identifiers: ClinVar variation 3379231 (VCV003379231.1).